The following is an entry in ClinVar:

NM_004656.4(BAP1):c.1943C>T (p.Ala648Val)

Gene: BAP1 (BRCA1 associated deubiquitinase 1; minus strand). Cytogenetic location: 3p21.1.
Variant type: single nucleotide variant.
Coding change: c.1943C>T on transcript NM_004656.4 (MANE Select); coding-DNA position 1943, C replaced by T.
Protein change: p.Ala648Val; replaces alanine 648 with valine.
Molecular consequence: missense variant.
Genome position (GRCh38, 1-based): chr3:52,402,819, G>A on the plus strand (C>T on the coding strand, the complement: BAP1 is on the minus strand). VCF-style: chr3-52402819-G-A. GRCh37 (hg19) VCF-style: chr3-52436835-G-A.
Other names: c.1943C>T (LRG_529t1); short protein forms A648V.
Identifiers: ClinVar variation 485265 (VCV000485265.25), dbSNP rs755915077, ClinGen allele CA2436656.

ClinVar aggregate classification (germline): Uncertain significance. Review status: criteria provided, multiple submitters, no conflicts (2 of 4 stars). 5 submissions from 5 submitters: Uncertain significance (5). Last evaluated 2025-08-10.

Conditions:
BAP1-related tumor predisposition syndrome (TPDS1). Also called: Tumor susceptibility linked to germline BAP1 mutations; BAP1 tumor predisposition syndrome; COMMON Syndrome; TUMOR PREDISPOSITION SYNDROME 1. Identifiers: Orphanet 289539, MedGen C3280492, MONDO:0013692, OMIM 614327.
Hereditary cancer-predisposing syndrome. Also called: Neoplastic Syndromes, Hereditary; Tumor predisposition; Hereditary Cancer Syndrome; Hereditary neoplastic syndrome. Identifiers: Orphanet 140162, MedGen C0027672, MeSH D009386, MONDO:0015356.

Allele frequency attached by ClinVar (database versions not stated): ExAC 0.00001; gnomAD 0.00001; gnomAD exomes 0.00001; TOPMed 0.00001.
gnomAD v4.1: 10 of 1,614,028 alleles (0.00062%); highest among the groups gnomAD compares: African/African-American, 0.0027%; no homozygotes.

Submissions (5):

Labcorp Genetics (formerly Invitae), Labcorp
Classification: Uncertain significance for BAP1-related tumor predisposition syndrome. Last evaluated: 2025-08-10. Review status: criteria provided, single submitter. Criteria: Invitae Variant Classification Sherloc (09022015). Collection method: clinical testing. Allele origin: germline.
Comment: This sequence change replaces alanine, which is neutral and non-polar, with valine, which is neutral and non-polar, at codon 648 of the BAP1 protein (p.Ala648Val). This variant is present in population databases (rs755915077, gnomAD 0.007%). This variant has not been reported in the literature in individuals affected with BAP1-related conditions. ClinVar contains an entry for this variant (Variation ID: 485265). Invitae Evidence Modeling of protein sequence and biophysical properties (such as structural, functional, and spatial information, amino acid conservation, physicochemical variation, residue mobility, and thermodynamic stability) indicates that this missense variant is not expected to disrupt BAP1 protein function with a negative predictive value of 80%. In summary, the available evidence is currently insufficient to determine the role of this variant in disease. Therefore, it has been classified as a Variant of Uncertain Significance.

Ambry Genetics
Classification: Uncertain significance for Hereditary cancer-predisposing syndrome. Last evaluated: 2025-04-28. Review status: criteria provided, single submitter. Criteria: Ambry Variant Classification Scheme 2023. Collection method: clinical testing. Allele origin: germline.
Comment: The p.A648V variant (also known as c.1943C>T), located in coding exon 15 of the BAP1 gene, results from a C to T substitution at nucleotide position 1943. The alanine at codon 648 is replaced by valine, an amino acid with similar properties. This amino acid position is not well conserved in available vertebrate species, and valine is the reference amino acid in other vertebrate species. In addition, this alteration is predicted to be tolerated by in silico analysis. Since supporting evidence is limited at this time, the clinical significance of this alteration remains unclear.

Baylor Genetics
Classification: Uncertain significance for BAP1-related tumor predisposition syndrome. Last evaluated: 2024-03-15. Review status: criteria provided, single submitter. Criteria: ACMG Guidelines, 2015. Collection method: clinical testing. Allele origin: unknown.

Color Diagnostics, LLC DBA Color Health
Classification: Uncertain significance for Hereditary cancer-predisposing syndrome. Last evaluated: 2024-03-05. Review status: criteria provided, single submitter. Criteria: ACMG Guidelines, 2015. Collection method: clinical testing. Allele origin: germline.
Comment: This missense variant replaces alanine with valine at codon 648 of the BAP1 protein. Computational prediction suggests that this variant may not impact protein structure and function. To our knowledge, functional studies have not been reported for this variant. This variant has been reported in individuals affected with renal papillary carcinoma in the literature (PMID: 29684080). This variant has been identified in 2/251494 chromosomes in the general population by the Genome Aggregation Database (gnomAD). The available evidence is insufficient to determine the role of this variant in disease conclusively. Therefore, this variant is classified as a Variant of Uncertain Significance.

GeneDx
Classification: Uncertain significance. Last evaluated: 2023-06-23. Review status: criteria provided, single submitter. Criteria: GeneDx Variant Classification Process June 2021. Collection method: clinical testing. Allele origin: germline. Affected: yes.
Comment: In silico analysis supports that this missense variant does not alter protein structure/function; Not observed at significant frequency in large population cohorts (gnomAD); Observed in an individual with renal papillary cell carcinoma (Yehia et al., 2018); This variant is associated with the following publications: (PMID: 29684080, 24686850)

Literature cited by the submitters: PubMed 29684080 (cited by Ambry Genetics and Color Diagnostics, LLC DBA Color Health).